The following is an entry in ClinVar:

ClinVar aggregate classification (germline): Uncertain significance (1 of 4 stars; one submission).

Submission:

GeneDx
Classification: Uncertain significance. Last evaluated: 2023-08-03. Review status: criteria provided, single submitter. Criteria: GeneDx Variant Classification Process June 2021. Collection method: clinical testing. Allele origin: germline. Affected: yes.
Comment: Not observed at significant frequency in large population cohorts (gnomAD); In silico analysis supports that this missense variant has a deleterious effect on protein structure/function; Has not been previously published as pathogenic or benign to our knowledge

NM_021956.5(GRIK2):c.557A>C (p.Gln186Pro)

Gene: GRIK2 (glutamate ionotropic receptor kainate type subunit 2; plus strand). Cytogenetic location: 6q16.3.
Variant type: single nucleotide variant.
Coding change: c.557A>C on transcript NM_021956.5 (MANE Select); coding-DNA position 557, A replaced by C.
Protein change: p.Gln186Pro; replaces glutamine 186 with proline.
Molecular consequence: missense variant.
Genome position (GRCh38, 1-based): chr6:101,676,638, A>C. VCF-style: chr6-101676638-A-C. GRCh37 (hg19) VCF-style: chr6-102124513-A-C.
Other names: c.557A>C, p.Gln186Pro (NM_001166247.1, NM_175768.3); short protein forms Q186P.
Identifiers: ClinVar variation 3361765 (VCV003361765.1).